The following is an entry in ClinVar:

NM_000459.5(TEK):c.3343G>T (p.Gly1115Ter)

Gene: TEK (TEK receptor tyrosine kinase; plus strand). Cytogenetic location: 9p21.2.
Variant type: single nucleotide variant.
Coding change: c.3343G>T on transcript NM_000459.5 (MANE Select); coding-DNA position 3343, G replaced by T.
Protein change: p.Gly1115Ter; replaces glycine 1115 with a stop codon.
Molecular consequence: nonsense.
Genome position (GRCh38, 1-based): chr9:27,229,200, G>T. VCF-style: chr9-27229200-G-T. GRCh37 (hg19) VCF-style: chr9-27229198-G-T.
Other names: c.3214G>T, p.Gly1072Ter (NM_001290077.2); c.2899G>T, p.Gly967Ter (NM_001290078.2); c.3340G>T, p.Gly1114Ter (NM_001375475.1); c.3211G>T, p.Gly1071Ter (NM_001375476.1); short protein forms G1071*, G1072*, G1114*, G1115*, G967*.
Identifiers: ClinVar variation 981232 (VCV000981232.2), dbSNP rs1826463406, ClinGen allele CA373131405.

ClinVar aggregate classification (germline): Pathogenic. Review status: criteria provided, single submitter (1 of 4 stars). 2 submissions from 2 submitters: Pathogenic (1). 1 of the submissions does not count toward it. Last evaluated 2023-12-20.

Conditions:
Multiple cutaneous and mucosal venous malformations (VMCM). Also called: TEK-Related Multiple Cutaneous and Mucosal Venous Malformations (VMCM). Identifiers: Orphanet 2451, MedGen C1838437, MONDO:0010842, OMIM 600195.
Abnormal cardiovascular system morphology. Also called: Abnormality of cardiovascular system morphology. Identifiers: MedGen C4049796, HP:0030680.

Submissions (2):

Clinical Genomics Laboratory, Washington University in St. Louis
Classification: Pathogenic for Multiple cutaneous and mucosal venous malformations. Last evaluated: 2023-12-20. Review status: criteria provided, single submitter. Criteria: ACMG Guidelines, 2015. Collection method: clinical testing. Allele origin: somatic. Affected: yes.
Comment: A TEK c.3343G>T (p.Gly1115Ter) variant was identified at an allelic fraction consistent with somatic origin. This variant has been reported in sporadic venous malformations (Soblet J et al., PMID: 23801934). This variant is absent from the general population database (gnomAD v.4.0.0), indicating it is not a common variant. The TEK c.3343G>T (p.Gly1115Ter) variant causes a premature termination codon; however, because this occurs in the last exon, it is not predicted to lead to nonsense-mediated decay. This variant resides within the C-terminal tail, amino acids 905-A1124, of TEK, which is a critical functional region (Shewchuk LM et al., PMID: 11080633). Functional studies have demonstrated that this variant results in the truncation of the C-terminal inhibitory loop, leading to increased receptor autophosphorylation, indicating that this variant impacts protein function (Natynki M et al., PMID: 26319232). Based on an internally-developed protocol informed by the ACMG/AMP guidelines for variant interpretation (Richards S et al., PMID: 25741868), the TEK c.3343G>T (p.Gly1115Ter) variant is classified as pathogenic.

MAGI's Lab - Research, MAGI Group
Classification: Pathogenic for Abnormal cardiovascular system morphology. Review status: no assertion criteria provided. Collection method: provider interpretation. Allele origin: somatic. Affected: yes. Not counted in ClinVar's aggregate classification.